The following is an entry in ClinVar:

ClinVar aggregate classification (germline): Uncertain significance. Review status: criteria provided, multiple submitters, no conflicts (2 of 4 stars). 2 submissions from 2 submitters: Uncertain significance (2). Last evaluated 2025-08-16.

Conditions:
Cardiovascular phenotype. Identifiers: MedGen CN230736.

Allele frequency attached by ClinVar (database versions not stated): ExAC 0.00001; TOPMed 0.00002; gnomAD 0.00001; ESP Exome Variant Server 0.00008.
gnomAD v4.1: 2 of 1,613,906 alleles (0.00012%); highest among the groups gnomAD compares: African/African-American, 0.0027%; no homozygotes.

Submissions (2):

Labcorp Genetics (formerly Invitae), Labcorp
Classification: Uncertain significance. Last evaluated: 2025-08-16. Review status: criteria provided, single submitter. Criteria: Invitae Variant Classification Sherloc (09022015). Collection method: clinical testing. Allele origin: germline.
Comment: This sequence change replaces glycine, which is neutral and non-polar, with arginine, which is basic and polar, at codon 455 of the ALPK3 protein (p.Gly455Arg). This variant is present in population databases (rs147146428, gnomAD 0.01%). This variant has not been reported in the literature in individuals affected with ALPK3-related conditions. ClinVar contains an entry for this variant (Variation ID: 2798372). Invitae Evidence Modeling of protein sequence and biophysical properties (such as structural, functional, and spatial information, amino acid conservation, physicochemical variation, residue mobility, and thermodynamic stability) indicates that this missense variant is not expected to disrupt ALPK3 protein function with a negative predictive value of 80%. In summary, the available evidence is currently insufficient to determine the role of this variant in disease. Therefore, it has been classified as a Variant of Uncertain Significance.

Ambry Genetics
Classification: Uncertain significance for Cardiovascular phenotype. Last evaluated: 2024-07-04. Review status: criteria provided, single submitter. Criteria: Ambry Variant Classification Scheme 2023. Collection method: clinical testing. Allele origin: germline.
Comment: The p.G455R variant (also known as c.1363G>A), located in coding exon 5 of the ALPK3 gene, results from a G to A substitution at nucleotide position 1363. The glycine at codon 455 is replaced by arginine, an amino acid with dissimilar properties. This amino acid position is conserved. In addition, this alteration is predicted to be tolerated by in silico analysis. Based on the available evidence, the clinical significance of this variant remains unclear.

NM_020778.5(ALPK3):c.757G>A (p.Gly253Arg)

Gene: ALPK3 (alpha kinase 3; plus strand). Cytogenetic location: 15q25.3.
Variant type: single nucleotide variant.
Coding change: c.757G>A on transcript NM_020778.5 (MANE Select); coding-DNA position 757, G replaced by A.
Protein change: p.Gly253Arg; replaces glycine 253 with arginine.
Molecular consequence: missense variant.
Genome position (GRCh38, 1-based): chr15:84,840,036, G>A. VCF-style: chr15-84840036-G-A. GRCh37 (hg19) VCF-style: chr15-85383267-G-A.
Other names: c.1363G>A (NM_020778.4); short protein forms G253R.
Identifiers: ClinVar variation 2798372 (VCV002798372.4), dbSNP rs147146428, ClinGen allele CA7709065.
Genomic context (GRCh38, chr15:84,840,036, plus strand): 5'-CCGGGCCCCTCGGTCCCTACCAGGGAGCCTGAGGGTGGGACCCTGGCGGCTTGGCAGGAG[G>A]GAGAGACTGAGACTGCTCAGCACTCAGGTTTGGGCCTGATCAACAGTTTTGCTTCTGGAG-3'
Protein context (NP_065829.4, residues 243-263): EGGTLAAWQE[Gly253Arg]ETETAQHSGL